The following is an entry in ClinVar:

ClinVar aggregate classification (germline): Likely pathogenic (1 of 4 stars; one submission).

Conditions:
Hypertrophic cardiomyopathy. Also called: HYPERTROPHIC MYOCARDIOPATHY. Identifiers: Orphanet 217569, MedGen C0007194, MeSH D002312, MONDO:0005045, HP:0001639.

Submission:

Labcorp Genetics (formerly Invitae), Labcorp
Classification: Likely pathogenic for Hypertrophic cardiomyopathy. Last evaluated: 2019-01-15. Review status: criteria provided, single submitter. Criteria: Invitae Variant Classification Sherloc (09022015). Collection method: clinical testing. Allele origin: unknown.
Comment: This variant is a deletion of the genomic region encompassing part of exon 19 and all of exon 20 of the MYBPC3 gene. It is expected to disrupt RNA splicing and likely results in an absent or disrupted protein product. This variant has not been reported in the literature in individuals with MYBPC3-related conditions. In summary, the currently available evidence indicates that the variant is pathogenic, but additional data are needed to prove that conclusively. Therefore, this variant has been classified as Likely Pathogenic. Loss-of-function variants in MYBPC3 are known to be pathogenic (PMID: 19574547).

Literature cited by the submitters: PubMed 19574547.

NC_000011.9:g.(?_47362521)_(47362777_?)del

Gene: MYBPC3 (myosin binding protein C3; minus strand). Cytogenetic location: 11p11.2.
Variant type: Deletion.
Identifiers: ClinVar variation 3244531 (VCV003244531.1).